The following is an entry in ClinVar:

ClinVar aggregate classification (germline): Uncertain significance (1 of 4 stars; one submission).

gnomAD v4.1: 160 of 1,551,246 alleles (0.01%); highest among the groups gnomAD compares: Non-Finnish European, 0.012%; no homozygotes.

Submission:

CeGaT Center for Human Genetics Tuebingen
Classification: Uncertain significance. Last evaluated: 2025-09-01. Review status: criteria provided, single submitter. Criteria: CeGaT Center For Human Genetics Tuebingen Variant Classification Criteria Version 2. Collection method: clinical testing. Allele origin: germline. Affected: yes. Observed: 1 variant allele.
Comment: CEP295: PM2:Supporting, BP4

NM_033395.2(CEP295):c.7724A>C (p.Glu2575Ala)

Gene: CEP295 (centrosomal protein 295; plus strand). Cytogenetic location: 11q21.
Variant type: single nucleotide variant.
Coding change: c.7724A>C on transcript NM_033395.2 (MANE Select); coding-DNA position 7724, A replaced by C.
Protein change: p.Glu2575Ala; replaces glutamic acid 2575 with alanine.
Molecular consequence: missense variant.
Genome position (GRCh38, 1-based): chr11:93,730,105, A>C. VCF-style: chr11-93730105-A-C. GRCh37 (hg19) VCF-style: chr11-93463271-A-C.
Other names: short protein forms E2575A.
Identifiers: ClinVar variation 4280812 (VCV004280812.7).
Genomic context (GRCh38, chr11:93,730,105, plus strand): 5'-ACAGGTTATACAATCAACTAGCTGAAGTGAAACAACAAAAGGAAGAAAAAACAAAACAAG[A>C]AGCTTATGCCCAAAACAGAGCAAGGGCAAAAGAATTCCATAAGGTGAGTATAACTGAGGG-3'
Protein context (NP_203753.1, residues 2565-2585): KQQKEEKTKQ[Glu2575Ala]AYAQNRARAK